The following is an entry in ClinVar:

ClinVar aggregate classification (germline): Uncertain significance (1 of 4 stars; one submission).

Submission:

Labcorp Genetics (formerly Invitae), Labcorp
Classification: Uncertain significance. Last evaluated: 2025-05-05. Review status: criteria provided, single submitter. Criteria: Invitae Variant Classification Sherloc (09022015). Collection method: clinical testing. Allele origin: germline.
Comment: This sequence change replaces aspartic acid, which is acidic and polar, with asparagine, which is neutral and polar, at codon 34 of the ELOVL4 protein (p.Asp34Asn). This variant also falls at the last nucleotide of exon 1, which is part of the consensus splice site for this exon. This variant is not present in population databases (gnomAD no frequency). This variant has not been reported in the literature in individuals affected with ELOVL4-related conditions. ClinVar contains an entry for this variant (Variation ID: 2862697). An algorithm developed to predict the effect of missense changes on protein structure and function (PolyPhen-2) suggests that this variant is likely to be tolerated. Variants that disrupt the consensus splice site are a relatively common cause of aberrant splicing (PMID: 17576681, 9536098). Algorithms developed to predict the effect of sequence changes on RNA splicing suggest that this variant may disrupt the consensus splice site. In summary, the available evidence is currently insufficient to determine the role of this variant in disease. Therefore, it has been classified as a Variant of Uncertain Significance.

Literature cited by the submitters: PubMed 17576681; PubMed 9536098.

NM_022726.4(ELOVL4):c.100G>A (p.Asp34Asn)

Gene: ELOVL4 (ELOVL fatty acid elongase 4; minus strand). Cytogenetic location: 6q14.1.
Variant type: single nucleotide variant.
Coding change: c.100G>A on transcript NM_022726.4 (MANE Select); coding-DNA position 100, G replaced by A.
Protein change: p.Asp34Asn; replaces aspartic acid 34 with asparagine.
Molecular consequence: missense variant.
Genome position (GRCh38, 1-based): chr6:79,947,180, C>T on the plus strand (G>A on the coding strand, the complement: ELOVL4 is on the minus strand). VCF-style: chr6-79947180-C-T. GRCh37 (hg19) VCF-style: chr6-80656897-C-T.
Other names: short protein forms D34N.
Identifiers: ClinVar variation 2862697 (VCV002862697.3), dbSNP rs2533011468, ClinGen allele CA364658512.